The following is an entry in ClinVar:

NM_001267550.2(TTN):c.101136G>C (p.Glu33712Asp)

Genes: TTN-AS1 (TTN antisense RNA 1; plus strand), TTN (titin; minus strand). Cytogenetic location: 2q31.2.
Variant type: single nucleotide variant.
Coding change: c.101136G>C on transcript NM_001267550.2 (MANE Select); coding-DNA position 101136, G replaced by C.
Protein change: p.Glu33712Asp; replaces glutamic acid 33712 with aspartic acid.
Molecular consequence: missense variant.
Genome position (GRCh38, 1-based): chr2:178,535,479, C>G on the plus strand (G>C on the coding strand, the complement: TTN is on the minus strand). VCF-style: chr2-178535479-C-G. GRCh37 (hg19) VCF-style: chr2-179400206-C-G.
Other names: c.96213G>C, p.Glu32071Asp (NM_001256850.1); c.73941G>C, p.Glu24647Asp (NM_003319.4); c.93432G>C, p.Glu31144Asp (NM_133378.4); c.74316G>C, p.Glu24772Asp (NM_133432.3); c.74517G>C, p.Glu24839Asp (NM_133437.4); short protein forms E33712D, E24647D, E32071D, E24839D, E31144D, E24772D.
Identifiers: ClinVar variation 572511 (VCV000572511.7), dbSNP rs1060503937, ClinGen allele CA349421584.

ClinVar aggregate classification (germline): Uncertain significance (1 of 4 stars; one submission).

Conditions:
Dilated cardiomyopathy 1G (CMD1G). Identifiers: Orphanet 154, MedGen C1858763, MONDO:0011400, OMIM 604145.
Autosomal recessive limb-girdle muscular dystrophy type 2J (LGMDR10). Also called: Limb-girdle muscular dystrophy, type 2J; MUSCULAR DYSTROPHY, LIMB-GIRDLE, AUTOSOMAL RECESSIVE 10. Identifiers: Orphanet 140922, MedGen C1837342, MONDO:0012127, OMIM 608807.

Allele frequency attached by ClinVar (database versions not stated): gnomAD exomes below 0.00001.
gnomAD v4.1: 1 of 1,613,842 alleles (0.000062%); highest among the groups gnomAD compares: South Asian, 0.0011%; no homozygotes.

Submission:

Labcorp Genetics (formerly Invitae), Labcorp
Classification: Uncertain significance for Dilated cardiomyopathy 1G; Autosomal recessive limb-girdle muscular dystrophy type 2J. Last evaluated: 2018-05-30. Review status: criteria provided, single submitter. Criteria: Invitae Variant Classification Sherloc (09022015). Collection method: clinical testing. Allele origin: germline.
Comment: This variant is located in the M band of TTN (PMID: 25589632). Variants in this region may be relevant for neuromuscular disorders, but have not been definitively shown to cause cardiomyopathy (PMID: 23975875). Algorithms developed to predict the effect of missense changes on protein structure and function are unavailable for the TTN gene. In summary, the available evidence is currently insufficient to determine the role of this variant in disease. Therefore, it has been classified as a Variant of Uncertain Significance. This variant has not been reported in the literature in individuals with TTN-related disease. This variant is not present in population databases (ExAC no frequency). This sequence change replaces glutamic acid with aspartic acid at codon 33712 of the TTN protein (p.Glu33712Asp). The glutamic acid residue is moderately conserved and there is a small physicochemical difference between glutamic acid and aspartic acid.

Literature cited by the submitters: PubMed 25589632; PubMed 23975875.